The following is an entry in ClinVar:

ClinVar aggregate classification (germline): Uncertain significance (1 of 4 stars; one submission).

gnomAD v4.1: 5 of 1,395,850 alleles (0.00036%); highest among the groups gnomAD compares: Non-Finnish European, 0.00046%; no homozygotes.

Submission:

Ambry Genetics
Classification: Uncertain significance. Last evaluated: 2025-04-10. Review status: criteria provided, single submitter. Criteria: Ambry Variant Classification Scheme 2023. Collection method: clinical testing. Allele origin: germline.
Comment: The p.P15S variant (also known as c.43C>T), located in coding exon 1 of the ATRIP gene, results from a C to T substitution at nucleotide position 43. The proline at codon 15 is replaced by serine, an amino acid with similar properties. This amino acid position is conserved. In addition, this alteration is predicted to be tolerated by in silico analysis. Based on the available evidence, the clinical significance of this variant remains unclear.

NM_130384.3(ATRIP):c.43C>T (p.Pro15Ser)

Genes: ATRIP (ATR interacting protein; plus strand), ATRIP-TREX1 (ATRIP-TREX1 readthrough; plus strand), LOC129936703 (ATAC-STARR-seq lymphoblastoid silent region 14331; plus strand). Cytogenetic location: 3p21.31.
Variant type: single nucleotide variant.
Coding change: c.43C>T on transcript NM_130384.3 (MANE Select); coding-DNA position 43, C replaced by T.
Protein change: p.Pro15Ser; replaces proline 15 with serine.
Molecular consequence: missense variant. On other transcripts: non-coding transcript variant (1), intron variant (1).
Genome position (GRCh38, 1-based): chr3:48,446,888, C>T. VCF-style: chr3-48446888-C-T. GRCh37 (hg19) VCF-style: chr3-48488292-C-T.
Other names: c.43C>T, p.Pro15Ser (NM_032166.4); c.-218+89C>T (NM_001271022.2); short protein forms P15S.
Identifiers: ClinVar variation 3976029 (VCV003976029.1).